The following is an entry in ClinVar:

NM_006431.3(CCT2):c.1048del (p.Glu350fs)

Gene: CCT2 (chaperonin containing TCP1 subunit 2; plus strand). Cytogenetic location: 12q15.
Variant type: Deletion.
Coding change: c.1048del on transcript NM_006431.3 (MANE Select); coding-DNA position 1048, one base deleted (G; older notation c.1048delG).
Protein change: p.Glu350fs; shifts the reading frame from glutamic acid 350.
Molecular consequence: frameshift variant.
Genome position (GRCh38, 1-based): chr12:69,597,221, G deleted. VCF-style (leftmost placement, unchanged base first): chr12-69597220-CG-C. GRCh37 (hg19) VCF-style: chr12-69991000-CG-C.
Other names: c.907del, p.Glu303fs (NM_001198842.2); short protein forms E350fs, E303fs.
Identifiers: ClinVar variation 3656050 (VCV003656050.2).
Genomic context (GRCh38, chr12:69,597,220, plus strand): 5'-TGAAATTGCCTCTACCTTTGATCACCCAGAACTGGTGAAGCTTGGAAGTTGCAAACTTAT[CG>C]AGGAAGTCATGATTGGAGAAGACAAACTCATTCACTTTTCTGGGGTTGCCCTTGGTGAGT-3'

ClinVar aggregate classification (germline): Uncertain significance (1 of 4 stars; one submission).

Submission:

Labcorp Genetics (formerly Invitae), Labcorp
Classification: Uncertain significance. Last evaluated: 2024-06-09. Review status: criteria provided, single submitter. Criteria: Invitae Variant Classification Sherloc (09022015). Collection method: clinical testing. Allele origin: germline.
Comment: This sequence change creates a premature translational stop signal (p.Glu350Argfs*4) in the CCT2 gene. It is expected to result in an absent or disrupted protein product. However, the current clinical and genetic evidence is not sufficient to establish whether loss-of-function variants in CCT2 cause disease. This variant is not present in population databases (gnomAD no frequency). This variant has not been reported in the literature in individuals affected with CCT2-related conditions. In summary, the available evidence is currently insufficient to determine the role of this variant in disease. Therefore, it has been classified as a Variant of Uncertain Significance.